The following is an entry in ClinVar:

ClinVar aggregate classification (germline): Uncertain significance (1 of 4 stars; one submission).

Conditions:
TSC2-related disorder. Also called: TSC2-Related Disorders; TSC2-related condition.

Submission:

PreventionGenetics, part of Exact Sciences
Classification: Uncertain significance for TSC2-related condition. Last evaluated: 2024-12-08. Review status: criteria provided, single submitter. Criteria: ACMG Guidelines, 2015. Collection method: clinical testing. Allele origin: germline.
Comment: The TSC2 c.395C>T variant is predicted to result in the amino acid substitution p.Ser132Phe. To our knowledge, this variant has not been reported in the literature or in a large population database (gnomAD), indicating this variant is rare. At this time, the clinical significance of this variant is uncertain due to the absence of conclusive functional and genetic evidence.

NM_000548.5(TSC2):c.395C>T (p.Ser132Phe)

Gene: TSC2 (TSC complex subunit 2; plus strand). Cytogenetic location: 16p13.3.
Variant type: single nucleotide variant.
Coding change: c.395C>T on transcript NM_000548.5 (MANE Select); coding-DNA position 395, C replaced by T.
Protein change: p.Ser132Phe; replaces serine 132 with phenylalanine.
Molecular consequence: missense variant. On other transcripts: 5 prime UTR variant (14), non-coding transcript variant (5), intron variant (6).
Genome position (GRCh38, 1-based): chr16:2,054,354, C>T. VCF-style: chr16-2054354-C-T. GRCh37 (hg19) VCF-style: chr16-2104355-C-T.
Other names: c.395C>T, p.Ser132Phe (NM_001077183.3, NM_001114382.3, NM_001363528.2 and 8 more transcripts); c.284C>T, p.Ser95Phe (NM_001318827.2, NM_001406670.1, NM_001406678.1); c.248C>T, p.Ser83Phe (NM_001318829.2, NM_001406675.1, NM_001406676.1 and 1 more transcripts); c.428C>T, p.Ser143Phe (NM_001318832.2); c.485C>T, p.Ser162Phe (NM_001406667.1, NM_001406668.1); c.338C>T, p.Ser113Phe (NM_001406677.1); c.-422C>T (NM_001406680.1, NM_001406683.1, NM_001406687.1); c.-51C>T (NM_001406681.1); and 6 more; short protein forms S83F, S95F, S113F, S132F, S143F, S162F.
Identifiers: ClinVar variation 4999717 (VCV004999717.1).
Genomic context (GRCh38, chr16:2,054,354, plus strand): 5'-AGGGCGAGCGTTTGGGGGTCCTCAGAGCCCTCTTCTTTAAGGTCATCAAGGATTACCCTT[C>T]CAACGAAGACCTTCACGAAAGGCTGGAGGTTTTCAAGGCCCTCACAGACAATGGGAGACA-3'
Protein context (NP_000539.2, residues 122-142): LFFKVIKDYP[Ser132Phe]NEDLHERLEV